The following is an entry in ClinVar:

NM_000038.6(APC):c.3116G>T (p.Gly1039Val)

Gene: APC (APC regulator of Wnt signaling pathway; plus strand). Cytogenetic location: 5q22.2.
Variant type: single nucleotide variant.
Coding change: c.3116G>T on transcript NM_000038.6 (MANE Select); coding-DNA position 3116, G replaced by T.
Protein change: p.Gly1039Val; replaces glycine 1039 with valine.
Molecular consequence: missense variant.
Genome position (GRCh38, 1-based): chr5:112,838,710, G>T. VCF-style: chr5-112838710-G-T. GRCh37 (hg19) VCF-style: chr5-112174407-G-T.
Other names: c.3116G>T, p.Gly1039Val (NM_001127510.3, NM_001354895.2, NM_001407450.1); c.3062G>T, p.Gly1021Val (NM_001127511.3); c.3170G>T, p.Gly1057Val (NM_001354896.2, NM_001407447.1, NM_001407448.1 and 1 more transcripts); c.3146G>T, p.Gly1049Val (NM_001354897.2); c.3041G>T, p.Gly1014Val (NM_001354898.2); c.3032G>T, p.Gly1011Val (NM_001354899.2); c.2993G>T, p.Gly998Val (NM_001354900.2); c.2939G>T, p.Gly980Val (NM_001354901.2, NM_001407453.1); and 11 more; short protein forms G1057V, G879V, G913V, G756V, G910V, G948V, G980V, G998V.
Identifiers: ClinVar variation 1727806 (VCV001727806.2), dbSNP rs1765337280, ClinGen allele CA16028163.

ClinVar aggregate classification (germline): Uncertain significance (1 of 4 stars; one submission).

Conditions:
Hereditary cancer-predisposing syndrome. Also called: Tumor predisposition; Neoplastic Syndromes, Hereditary; Hereditary Cancer Syndrome; Hereditary neoplastic syndrome. Identifiers: Orphanet 140162, MedGen C0027672, MeSH D009386, MONDO:0015356.

Submission:

Ambry Genetics
Classification: Uncertain significance for Hereditary cancer-predisposing syndrome. Last evaluated: 2022-01-05. Review status: criteria provided, single submitter. Criteria: Ambry Variant Classification Scheme 2023. Collection method: clinical testing. Allele origin: germline.
Comment: The p.G1039V variant (also known as c.3116G>T), located in coding exon 15 of the APC gene, results from a G to T substitution at nucleotide position 3116. The glycine at codon 1039 is replaced by valine, an amino acid with dissimilar properties. This amino acid position is highly conserved in available vertebrate species. In addition, in silico predictors for this gene do not accurately predict pathogenicity. Since supporting evidence is limited at this time, the clinical significance of this alteration remains unclear.